The following is an entry in ClinVar:

ClinVar aggregate classification (germline): Uncertain significance (1 of 4 stars; one submission).

Allele frequency attached by ClinVar (database versions not stated): gnomAD exomes below 0.00001.
gnomAD v4.1: 2 of 1,613,814 alleles (0.00012%); highest among the groups gnomAD compares: Non-Finnish European, 0.00017%; no homozygotes.

Submission:

Labcorp Genetics (formerly Invitae), Labcorp
Classification: Uncertain significance. Last evaluated: 2023-07-17. Review status: criteria provided, single submitter. Criteria: Invitae Variant Classification Sherloc (09022015). Collection method: clinical testing. Allele origin: germline.
Comment: In summary, the available evidence is currently insufficient to determine the role of this variant in disease. Therefore, it has been classified as a Variant of Uncertain Significance. Advanced modeling of protein sequence and biophysical properties (such as structural, functional, and spatial information, amino acid conservation, physicochemical variation, residue mobility, and thermodynamic stability) performed at Invitae indicates that this missense variant is not expected to disrupt MCM4 protein function. This variant has not been reported in the literature in individuals affected with MCM4-related conditions. This variant is not present in population databases (gnomAD no frequency). This sequence change replaces methionine, which is neutral and non-polar, with valine, which is neutral and non-polar, at codon 337 of the MCM4 protein (p.Met337Val).

NM_182746.3(MCM4):c.1009A>G (p.Met337Val)

Gene: MCM4 (minichromosome maintenance complex component 4; plus strand). Cytogenetic location: 8q11.21.
Variant type: single nucleotide variant.
Coding change: c.1009A>G on transcript NM_182746.3 (MANE Select); coding-DNA position 1009, A replaced by G.
Protein change: p.Met337Val; replaces methionine 337 with valine.
Molecular consequence: missense variant.
Genome position (GRCh38, 1-based): chr8:47,966,363, A>G. VCF-style: chr8-47966363-A-G. GRCh37 (hg19) VCF-style: chr8-48878923-A-G.
Other names: c.1009A>G, p.Met337Val (NM_005914.4); short protein forms M337V.
Identifiers: ClinVar variation 2843837 (VCV002843837.3), dbSNP rs2551884026, ClinGen allele CA371149530.